The following is an entry in ClinVar:

NM_000051.4(ATM):c.4437-1G>A

Gene: ATM (ATM serine/threonine kinase; plus strand). Cytogenetic location: 11q22.3.
Variant type: single nucleotide variant.
Coding change: c.4437-1G>A on transcript NM_000051.4 (MANE Select); the canonical splice acceptor site of the intron before coding-DNA position 4437, G replaced by A.
Molecular consequence: splice acceptor variant.
Genome position (GRCh38, 1-based): chr11:108,292,618, G>A. VCF-style: chr11-108292618-G-A. GRCh37 (hg19) VCF-style: chr11-108163345-G-A.
Other names: c.4437-1G>A (NM_001351834.2).
Identifiers: ClinVar variation 265569 (VCV000265569.2), dbSNP rs759520465, ClinGen allele CA10588501.
Genomic context (GRCh38, chr11:108,292,618, plus strand): 5'-ATTTCAGAGTAATTTTCCAGAACTTACTGGTTGTTGTTGTTTTTTTTTCTCCCTATATTA[G>A]GCCTTCTTGTATCATGGATGTGTCATTACGTAGCTTCTCCCTTTGTTGTGACTTATTAAG-3'

ClinVar aggregate classification (germline): Likely pathogenic (1 of 4 stars; one submission).

Submission:

GeneDx
Classification: Likely pathogenic. Last evaluated: 2016-04-22. Review status: criteria provided, single submitter. Criteria: GeneDx Variant Classification (06012015). Collection method: clinical testing. Allele origin: germline. Affected: yes.
Comment: This variant is denoted ATM c.4437-1G>A or IVS29-1G>A and consists of a G>A nucleotide substitution at the -1 position of intron 29 of the ATM gene. This variant destroys a canonical splice acceptor site and is predicted to cause abnormal gene splicing, leading to either an abnormal message that is subject to nonsense-mediated mRNA decay or to an abnormal protein product. ATM c.4437-1G>A has been identified in one individual reportedly diagnosed with Ataxia-Telangiectasia, for whom the second variant was not provided (Eng 2004). Eng et al. (2004) suggested that ATM c.4437-1G>A results in the use of a cryptic splice site 1 nucleotide downstream, leading to the deletion of the first nucleotide of exon 30. Based on the currently available information, we consider ATM c.4437-1G>A to be likely pathogenic.